The following is an entry in ClinVar:

NM_000059.4(BRCA2):c.5676T>G (p.Gly1892=)

Gene: BRCA2 (BRCA2 DNA repair associated; plus strand). Cytogenetic location: 13q13.1.
Variant type: single nucleotide variant.
Coding change: c.5676T>G on transcript NM_000059.4 (MANE Select); coding-DNA position 5676, T replaced by G.
Protein change: p.Gly1892=; no amino-acid change (glycine 1892 retained).
Molecular consequence: synonymous variant.
Genome position (GRCh38, 1-based): chr13:32,340,031, T>G. VCF-style: chr13-32340031-T-G. GRCh37 (hg19) VCF-style: chr13-32914168-T-G.
Identifiers: ClinVar variation 427244 (VCV000427244.3), dbSNP rs745902915, ClinGen allele CA6940895.

ClinVar aggregate classification (germline): Benign (3 of 4 stars; one submission).

Conditions:
Breast-ovarian cancer, familial, susceptibility to, 2 (BROVCA2). Also called: BRCA2 Hereditary Breast and Ovarian Cancer. Identifiers: Orphanet 145, MedGen C2675520, MONDO:0012933, OMIM 612555. Disease mechanism: loss of function.

Allele frequency attached by ClinVar (database versions not stated): ExAC 0.00799.

Submission:

Evidence-based Network for the Interpretation of Germline Mutant Alleles (ENIGMA)
Classification: Benign for Breast-ovarian cancer, familial, susceptibility to, 2. Last evaluated: 2017-06-29. Review status: reviewed by expert panel. Criteria: ENIGMA BRCA1/2 Classification Criteria (2017-06-29). Collection method: curation. Allele origin: germline.
Comment: Class 1 not pathogenic based on frequency >1% in an outbred sampleset. Frequency 0.0133 (Finnish), 0.0176 (African), derived from ExAC (2014-12-17).